The following is an entry in ClinVar:

NM_001282534.2(KCNK9):c.607G>A (p.Gly203Arg)

Gene: KCNK9 (potassium two pore domain channel subfamily K member 9; minus strand). Cytogenetic location: 8q24.3.
Variant type: single nucleotide variant.
Coding change: c.607G>A on transcript NM_001282534.2 (MANE Select); coding-DNA position 607, G replaced by A.
Protein change: p.Gly203Arg; replaces glycine 203 with arginine.
Molecular consequence: missense variant. On other transcripts: non-coding transcript variant (1).
Genome position (GRCh38, 1-based): chr8:139,618,776, C>T on the plus strand (G>A on the coding strand, the complement: KCNK9 is on the minus strand). VCF-style: chr8-139618776-C-T. GRCh37 (hg19) VCF-style: chr8-140631019-C-T.
Other names: short protein forms G203R.
Identifiers: ClinVar variation 3359850 (VCV003359850.1).

ClinVar aggregate classification (germline): Uncertain significance (1 of 4 stars; one submission).

Submission:

GeneDx
Classification: Uncertain significance. Last evaluated: 2023-06-13. Review status: criteria provided, single submitter. Criteria: GeneDx Variant Classification Process June 2021. Collection method: clinical testing. Allele origin: germline. Affected: yes.
Comment: Has not been previously published as pathogenic or benign to our knowledge; Not observed at significant frequency in large population cohorts (gnomAD); In silico analysis supports that this missense variant has a deleterious effect on protein structure/function